The following is an entry in ClinVar:

ClinVar aggregate classification (germline): Benign/Likely benign. Review status: criteria provided, multiple submitters, no conflicts (2 of 4 stars). 6 submissions from 6 submitters: Benign (1); Likely benign (5). Last evaluated 2026-05-01.

Conditions:
USH1C-related disorder. Also called: USH1C-related condition.

Allele frequency attached by ClinVar (database versions not stated): gnomAD 0.00007 and 0.00008; TOPMed 0.00018; gnomAD exomes 0.00022 and 0.00051; 1000 Genomes Project 0.00040; ExAC 0.00043; 1000 Genomes Project 30x 0.00062.
gnomAD v4.1: 138 of 1,578,306 alleles (0.0087%); highest among the groups gnomAD compares: Admixed American, 0.23%; no homozygotes.

Submissions (6):

CeGaT Center for Human Genetics Tuebingen
Classification: Likely benign. Last evaluated: 2026-05-01. Review status: criteria provided, single submitter. Criteria: CeGaT Center For Human Genetics Tuebingen Variant Classification Criteria Version 2. Collection method: clinical testing. Allele origin: germline. Affected: yes. Observed: 1 variant allele.
Comment: USH1C: BP4, BP7

PreventionGenetics, part of Exact Sciences
Classification: Likely benign for USH1C-related condition. Last evaluated: 2024-12-02. Review status: criteria provided, single submitter. Criteria: ACMG Guidelines, 2015. Collection method: clinical testing. Allele origin: germline.
Comment: This variant is classified as likely benign based on ACMG/AMP sequence variant interpretation guidelines (Richards et al. 2015 PMID: 25741868, with internal and published modifications).

Blueprint Genetics
Classification: Likely benign. Last evaluated: 2023-06-07. Review status: criteria provided, single submitter. Criteria: ACMG Guidelines, 2015. Collection method: clinical testing. Allele origin: germline.

Labcorp Genetics (formerly Invitae), Labcorp
Classification: Benign. Last evaluated: 2022-08-15. Review status: criteria provided, single submitter. Criteria: Invitae Variant Classification Sherloc (09022015). Collection method: clinical testing. Allele origin: germline.

ARUP Laboratories, Molecular Genetics and Genomics, ARUP Laboratories
Classification: Likely benign. Last evaluated: 2019-09-19. Review status: criteria provided, single submitter. Criteria: ARUP Molecular Germline Variant Investigation Process. Collection method: clinical testing. Allele origin: germline.

Laboratory for Molecular Medicine, Mass General Brigham Personalized Medicine
Classification: Likely benign. Last evaluated: 2017-08-23. Review status: criteria provided, single submitter. Criteria: LMM Criteria. Collection method: clinical testing. Allele origin: germline. Observed: 1 variant allele.
Comment: p.Pro668Pro in exon 18 of USH1C: This variant is not expected to have clinical s ignificance because it does not alter an amino acid residue and is not located w ithin the splice consensus sequence. It has been identified in 0.41% (47/11468) of Latino chromosomes by the Exome Aggregation Consortium (ExAC; dbSNP rs201586291).

NM_153676.4(USH1C):c.2004C>A (p.Pro668=)

Gene: USH1C (USH1 protein network component harmonin; minus strand). Cytogenetic location: 11p15.1.
Variant type: single nucleotide variant.
Coding change: c.2004C>A on transcript NM_153676.4 (MANE Select); coding-DNA position 2004, C replaced by A.
Protein change: p.Pro668=; no amino-acid change (proline 668 retained).
Molecular consequence: synonymous variant. On other transcripts: intron variant (2).
Genome position (GRCh38, 1-based): chr11:17,509,365, G>T on the plus strand (C>A on the coding strand, the complement: USH1C is on the minus strand). VCF-style: chr11-17509365-G-T. GRCh37 (hg19) VCF-style: chr11-17530912-G-T.
Other names: c.1228-7385C>A (NM_001297764.2); c.1285-7385C>A (NM_005709.4).
Identifiers: ClinVar variation 667178 (VCV000667178.24), dbSNP rs201586291, ClinGen allele CA5904394.